The following is an entry in ClinVar:

NM_000070.3(CAPN3):c.2362_2363delinsTCATCT (p.Arg788fs)

Gene: CAPN3 (calpain 3; plus strand). Cytogenetic location: 15q15.1.
Variant type: Indel.
Coding change: c.2362_2363delinsTCATCT on transcript NM_000070.3 (MANE Select); coding-DNA positions 2362 to 2363, AG replaced by TCATCT.
Protein change: p.Arg788fs; shifts the reading frame from arginine 788.
Molecular consequence: frameshift variant.
Genome position (GRCh38, 1-based): chr15:42,410,982-42,410,983, AG replaced by TCATCT. VCF-style: chr15-42410982-AG-TCATCT. GRCh37 (hg19) VCF-style: chr15-42703180-AG-TCATCT.
Other names: 2362AG>TCATCT; NM_000070.3(CAPN3):c.2362_2363delinsTCATCT; p.Arg788fs; c.2344_2345delinsTCATCT, p.Arg782fs (NM_024344.2); c.2086_2087delinsTCATCT, p.Arg696fs (NM_173087.2); c.826_827delinsTCATCT, p.Arg276fs (NM_173088.2); c.367_368delinsTCATCT, p.Arg123fs (NM_173089.2, NM_173090.2); short protein forms R123fs, R276fs, R696fs, R782fs, R788fs.
Identifiers: ClinVar variation 17618 (VCV000017618.44), dbSNP rs1555423217, ClinGen allele CA127307.

ClinVar aggregate classification (germline): Pathogenic. Review status: reviewed by expert panel (3 of 4 stars). 17 submissions from 16 submitters: Pathogenic (1). 16 of the submissions do not count toward it. Last evaluated 2025-01-09.

Conditions:
Muscular dystrophy, limb-girdle, autosomal dominant 4. Also called: MUSCULAR DYSTROPHY, LIMB-GIRDLE, TYPE 1I; Calpain-3-related limb-girdle muscular dystrophy D4. Identifiers: Orphanet 565909, MedGen C4748295, MONDO:0029133, OMIM 618129.
Autosomal recessive limb-girdle muscular dystrophy type 2A (LGMDR1). Also called: Muscular dystrophy, limb-girdle, type 2A, Amish; Limb-girdle muscular dystrophy, type 2A; LEYDEN-MOEBIUS MUSCULAR DYSTROPHY; MUSCULAR DYSTROPHY, PELVOFEMORAL; Calpainopathy. Identifiers: Orphanet 267, MedGen C1869123, MONDO:0009675, OMIM 253600. Disease mechanism: loss of function.
CAPN3-related disorder. Also called: CAPN3-related condition; CAPN3-related disorders. Identifiers: MedGen CN239245.
Autosomal recessive limb-girdle muscular dystrophy. Identifiers: Orphanet 102015, MedGen C2931907, MONDO:0015152.
Myositis, eosinophilic. Identifiers: MedGen C1299884.

Submissions (17):

ClinGen Limb Girdle Muscular Dystrophy Variant Curation Expert Panel, ClinGen
Classification: Pathogenic for Autosomal recessive limb-girdle muscular dystrophy. Last evaluated: 2025-01-09. Review status: reviewed by expert panel. Criteria: ClinGen LGMD VCEP ACMG Specifications CAPN3 V1.0.0. Collection method: curation. Allele origin: germline. Inheritance: Autosomal recessive inheritance.
Comment: The NM_000070.3: c.2362_2363delinsTCATCT p.(Arg788SerfsTer14) variant in CAPN3 is a frameshift variant predicted to cause a premature stop codon in biologically relevant exon 23/24 that may cause loss of function of the protein, however, it is predicted to escape nonsense mediated decay and remove <10% of the protein (PVS1_Moderate). This variant has been detected in at least 30 individuals with limb girdle muscular dystrophy, including in a homozygous state in one patient (0.5 pts, PMID: 18337726), in trans with a pathogenic variant in at least one patient (c.643_663del p.(Ser215_Gly221del), 1.0 pt, PMID: 9150160), and in unknown phase with a pathogenic variant (c.223dup p.(Tyr75LeufsTer5), 0.5 pts, PMID: 30564623, LOVD Individual #00220184) (PM3_Strong). At least one patient with this variant displayed a clinical suspicion of limb girdle muscular dystrophy and absent expression of calpain-3, which is highly specific for CAPN3-related LGMD (PP4_Strong; PMID: 18337726). The variant has also been reported to segregate with LGMD in one affected family member (PP1; PMID: 9150160). This variant is absent from gnomAD v2.1.1 and v3.1.2 (PM2_Supporting). In summary, this variant meets the criteria to be classified as Pathogenic for autosomal recessive limb girdle muscular dystrophy based on the ACMG/AMP criteria applied, as specified by the ClinGen LGMD VCEP (LGMD VCEP specifications version 1.0.0; 01/09/2025): PVS1_Moderate, PM3_Strong, PP4_Strong, PP1, PM2_Supporting.

Labcorp Genetics (formerly Invitae), Labcorp
Classification: Pathogenic for Autosomal recessive limb-girdle muscular dystrophy type 2A. Last evaluated: 2026-01-22. Review status: criteria provided, single submitter. Criteria: Invitae Variant Classification Sherloc (09022015). Collection method: clinical testing. Allele origin: germline. Not counted in ClinVar's aggregate classification.
Comment: This sequence change creates a premature translational stop signal (p.Arg788Serfs*14) in the CAPN3 gene. While this is not anticipated to result in nonsense mediated decay, it is expected to disrupt the last 34 amino acid(s) of the CAPN3 protein. This variant is not present in population databases (gnomAD no frequency). This premature translational stop signal has been observed in individuals with autosomal recessive limb-girdle muscular dystrophy (PMID: 9150160, 18563459, 21984748, 22194990). This variant is also known as 2362AG->TCATCT. ClinVar contains an entry for this variant (Variation ID: 17618). For these reasons, this variant has been classified as Pathogenic.

Athena Diagnostics
Classification: Pathogenic. Last evaluated: 2025-11-07. Review status: criteria provided, single submitter. Criteria: Athena Diagnostics Criteria. Collection method: clinical testing. Allele origin: unknown. Not counted in ClinVar's aggregate classification.
Comment: This variant is expected to result in the loss of a functional protein. This variant has not been reported in large, multi-ethnic general populations (Genome Aggregation Database (gnomAD), Cambridge, MA (URL)). This variant has been identified in multiple individuals with autosomal recessive Limb-girdle muscular dystrophy and segregates with disease in multiple families. In some published literature, this variant is referred to as 2362AG>TCATCT, 2362-2363AG>TCATCT, or 2362_2363delAGinsTCATCT.

CeGaT Center for Human Genetics Tuebingen
Classification: Pathogenic. Last evaluated: 2025-09-01. Review status: criteria provided, single submitter. Criteria: CeGaT Center For Human Genetics Tuebingen Variant Classification Criteria Version 2. Collection method: clinical testing. Allele origin: germline. Affected: yes. Observed: 1 variant allele. Not counted in ClinVar's aggregate classification.
Comment: CAPN3: PVS1, PM2, PM3

Revvity Omics, Revvity
Classification: Pathogenic. Last evaluated: 2025-04-14. Review status: criteria provided, single submitter. Criteria: ACMG Guidelines, 2015. Collection method: clinical testing. Allele origin: germline. Not counted in ClinVar's aggregate classification.

Natera, Inc.
Classification: Pathogenic for Limb-girdle muscular dystrophy type 2A. Last evaluated: 2025-02-17. Review status: criteria provided, single submitter. Criteria: Natera Variant Classification Schema (03/2026). Collection method: clinical testing. Allele origin: germline. Not counted in ClinVar's aggregate classification.
Comment: The c.2362_2363delAGinsTCATCT variant in CAPN3 is a frameshift variant predicted to shift the reading frame beginning at codon 788 and leads to a stop codon 14 codons downstream. This variant is expected to result in nonsense mediated decay, truncation, or a dysfunctional protein product. This variant is rare in the general population with a frequency below the threshold expected for the associated phenotype(s). This variant has been observed in one or more individuals affected with the associated recessive disease, as either homozygous or compound heterozygous with a second variant (PMID: 18563459). Given the available evidence, this variant is classified as Pathogenic.

Fulgent Genetics
Classification: Pathogenic for Autosomal recessive limb-girdle muscular dystrophy type 2A; Muscular dystrophy, limb-girdle, autosomal dominant 4. Last evaluated: 2024-05-29. Review status: criteria provided, single submitter. Criteria: ACMG Guidelines, 2015. Collection method: clinical testing. Allele origin: germline. Not counted in ClinVar's aggregate classification.

Baylor Genetics
Classification: Pathogenic for Muscular dystrophy, limb-girdle, autosomal dominant 4. Last evaluated: 2024-03-05. Review status: criteria provided, single submitter. Criteria: ACMG Guidelines, 2015. Collection method: clinical testing. Allele origin: unknown. Not counted in ClinVar's aggregate classification.

Blueprint Genetics
Classification: Pathogenic for CAPN3-related disorders. Last evaluated: 2023-09-13. Review status: criteria provided, single submitter. Criteria: ACMG Guidelines, 2015. Collection method: clinical testing. Allele origin: germline. Affected: yes. Observed: 1 variant allele. Not counted in ClinVar's aggregate classification.

Women's Health and Genetics/Laboratory Corporation of America, LabCorp
Classification: Pathogenic for Autosomal recessive limb-girdle muscular dystrophy. Last evaluated: 2023-01-31. Review status: criteria provided, single submitter. Criteria: LabCorp Variant Classification Summary - May 2015. Collection method: clinical testing. Allele origin: germline. Not counted in ClinVar's aggregate classification.
Comment: Variant summary: CAPN3 c.2362_2363delinsTCATCT (p.Arg788SerfsX14) results in a premature termination codon, predicted to cause a truncation of the encoded protein or absence of the protein due to nonsense mediated decay, which are commonly known mechanisms for disease. The variant was absent in 251342 control chromosomes (gnomAD). c.2362_2363delinsTCATCT has been reported in the literature in several homozygous- and compound heterozygous individuals affected with Limb-Girdle Muscular Dystrophy, Autosomal Recessive (e.g. Richard_1997, de Paula_2002, Saenz_2005), where muscle biopsy samples derived from multiple homozygote patients demonstrated complete- or partial loss of calpain (see e.g. de Paula_2002, Saenz_2005). These data indicate that the variant is very likely to be associated with disease. To our knowledge, no experimental evidence demonstrating an impact on protein function has been reported. Five submitters have provided clinical-significance assessments for this variant to ClinVar after 2014, and all classified the variant as pathogenic. Based on the evidence outlined above, the variant was classified as pathogenic.

GeneDx
Classification: Pathogenic. Last evaluated: 2022-08-25. Review status: criteria provided, single submitter. Criteria: GeneDx Variant Classification Process June 2021. Collection method: clinical testing. Allele origin: germline. Affected: yes. Not counted in ClinVar's aggregate classification.
Comment: Frameshift variant predicted to result in protein truncation, as the last 34 amino acids are replaced with 13 different amino acids, and other loss-of-function variants have been reported downstream in the Human Gene Mutation Database (HGMD); Not observed at significant frequency in large population cohorts (gnomAD); This variant is associated with the following publications: (PMID: 18337726, 10330340, 22194990, 16607617, 18055493, 15757244, 28615891, 9150160, 25900067, 9762961, 12461690, 17236769, 7720071, 16344536, 18563459, 21984748, 28103310, 31011535, 30919934, 31127727, 35741838, 15689361, 30564623)

Clinical Genetics Laboratory, Skane University Hospital Lund
Classification: Pathogenic. Last evaluated: 2022-05-27. Review status: criteria provided, single submitter. Criteria: ACMG Guidelines, 2015. Collection method: clinical testing. Allele origin: germline. Affected: yes. Not counted in ClinVar's aggregate classification.

Eurofins Ntd Llc (ga)
Classification: Pathogenic. Last evaluated: 2018-04-25. Review status: criteria provided, single submitter. Criteria: EGL ClinVar v180209 classification definitions. Collection method: clinical testing. Allele origin: germline. Observed: 24 variant alleles, 20 heterozygotes, 4 homozygotes. Not counted in ClinVar's aggregate classification.

Genetic Services Laboratory, University of Chicago
Classification: Pathogenic for Muscular dystrophy, limb-girdle, type 2A. Last evaluated: 2014-12-19. Review status: criteria provided, single submitter. Criteria: ACMG Guidelines, 2015. Collection method: clinical testing. Allele origin: germline. Affected: yes. Not counted in ClinVar's aggregate classification.

OMIM
Classification: Pathogenic for MUSCULAR DYSTROPHY, LIMB-GIRDLE, AUTOSOMAL RECESSIVE 1. Last evaluated: 2006-06-01. Review status: no assertion criteria provided. Collection method: literature only. Allele origin: germline. Not counted in ClinVar's aggregate classification.

OMIM
Classification: Pathogenic for MYOSITIS, EOSINOPHILIC. Last evaluated: 2006-06-01. Review status: no assertion criteria provided. Collection method: literature only. Allele origin: germline. Not counted in ClinVar's aggregate classification.

GeneReviews
No classification provided. Condition: Autosomal recessive limb-girdle muscular dystrophy type 2A. Review status: no classification provided. Collection method: literature only. Allele origin: germline. Not counted in ClinVar's aggregate classification.
Comment: Pathogenic variant most likely the result of a founder effect followed by genetic isolation in populations in Guipuzcoa province in the Basque country of Spain, and in Brazil, [Urtasun et al 1998, de Paula et al 2002].

Literature cited by the submitters: PubMed 9150160 (cited by 6 submitters); PubMed 18563459 (cited by 3 submitters); PubMed 21984748 (cited by Labcorp Genetics (formerly Invitae), Labcorp and Athena Diagnostics); PubMed 22194990 (cited by Labcorp Genetics (formerly Invitae), Labcorp and Athena Diagnostics); PubMed 31011535 (cited by Athena Diagnostics); PubMed 18337726 (cited by Athena Diagnostics); PubMed 30564623 (cited by Athena Diagnostics); PubMed 10330340 (cited by Athena Diagnostics); PubMed 16607617 (cited by 3 submitters); PubMed 18055493 (cited by Athena Diagnostics); PubMed 15757244 (cited by Athena Diagnostics); PubMed 9762961 (cited by 3 submitters); PubMed 12461690 (cited by 3 submitters); PubMed 17236769 (cited by Athena Diagnostics); PubMed 16344536 (cited by Athena Diagnostics); PubMed 28103310 (cited by Athena Diagnostics); PubMed 30919934 (cited by Athena Diagnostics); PubMed 35741838 (cited by Athena Diagnostics); PubMed 7720071 (cited by Athena Diagnostics); PubMed 15689361 (cited by Athena Diagnostics and Women's Health and Genetics/Laboratory Corporation of America, LabCorp); PubMed 9777948 (cited by GeneReviews).